The following is an entry in ClinVar:

ClinVar aggregate classification (germline): Likely benign (1 of 4 stars; one submission).

Allele frequency attached by ClinVar (database versions not stated): 1000 Genomes Project 0.00040; 1000 Genomes Project 30x 0.00062; TOPMed 0.00187; gnomAD 0.00217; ExAC 0.00229; ESP Exome Variant Server 0.00296; gnomAD exomes 0.00326.
gnomAD v4.1: 5,103 of 1,614,034 alleles (0.32%); highest among the groups gnomAD compares: Non-Finnish European, 0.4%; 16 homozygotes.

Submission:

CeGaT Center for Human Genetics Tuebingen
Classification: Likely benign. Last evaluated: 2022-12-01. Review status: criteria provided, single submitter. Criteria: CeGaT Center For Human Genetics Tuebingen Variant Classification Criteria Version 2. Collection method: clinical testing. Allele origin: germline. Affected: yes. Observed: 1 variant allele.
Comment: PCDHGB6: BP4, BS2

NM_018926.3(PCDHGB6):c.2252C>T (p.Ser751Phe)

Genes: PCDHG@ (protocadherin gamma cluster; plus strand), PCDHGA1 (protocadherin gamma subfamily A, 1; plus strand), PCDHGA2 (protocadherin gamma subfamily A, 2; plus strand), PCDHGA3 (protocadherin gamma subfamily A, 3; plus strand), PCDHGA4 (protocadherin gamma subfamily A, 4; plus strand) and 11 more. Cytogenetic location: 5q31.3.
Variant type: single nucleotide variant.
Coding change: c.2252C>T on transcript NM_018926.3 (MANE Select); coding-DNA position 2252, C replaced by T.
Protein change: p.Ser751Phe; replaces serine 751 with phenylalanine.
Molecular consequence: missense variant. On other transcripts: intron variant (14).
Genome position (GRCh38, 1-based): chr5:141,410,454, C>T. VCF-style: chr5-141410454-C-T. GRCh37 (hg19) VCF-style: chr5-140790021-C-T.
Other names: c.2252C>T, p.Ser751Phe (NM_001386906.1, NM_032100.1); c.2421+77349C>T (NM_018912.3); c.2424+69059C>T (NM_018915.4); c.2424+63997C>T (NM_018916.4); c.2409+57785C>T (NM_018922.3); c.2514+52833C>T (NM_018917.4); c.2421+47898C>T (NM_018923.3); c.2421+43703C>T (NM_018918.3); and 7 more; short protein forms S751F.
Identifiers: ClinVar variation 2655859 (VCV002655859.24), dbSNP rs199849689, ClinGen allele CA3474803.